The following is an entry in ClinVar:

ClinVar aggregate classification (germline): Conflicting classifications of pathogenicity. Review status: criteria provided, conflicting classifications (1 of 4 stars). 2 submissions from 2 submitters: Uncertain significance (1); Likely benign (1). Last evaluated 2023-08-04.

Conditions:
Developmental and epileptic encephalopathy, 11 (DEE11). Also called: Early infantile epileptic encephalopathy 11. Identifiers: Orphanet 1934, MedGen C3150987, MONDO:0013388, OMIM 613721.
Seizures, benign familial infantile, 3 (BFIS3). Also called: CONVULSIONS, BENIGN FAMILIAL INFANTILE, 3; Familial neonatal seizures. Identifiers: Orphanet 140927, Orphanet 306, MedGen C1843140, MONDO:0011904, OMIM 607745.

Allele frequency attached by ClinVar (database versions not stated): gnomAD exomes 0.00001.
gnomAD v4.1: 3 of 1,613,640 alleles (0.00019%); highest among the groups gnomAD compares: Admixed American, 0.0017%; no homozygotes.

Submissions (2):

Labcorp Genetics (formerly Invitae), Labcorp
Classification: Likely benign for Seizures, benign familial infantile, 3; Developmental and epileptic encephalopathy, 11. Last evaluated: 2023-08-04. Review status: criteria provided, single submitter. Criteria: Invitae Variant Classification Sherloc (09022015). Collection method: clinical testing. Allele origin: germline.

GeneDx
Classification: Uncertain significance. Last evaluated: 2020-10-22. Review status: criteria provided, single submitter. Criteria: GeneDx Variant Classification Process June 2021. Collection method: clinical testing. Allele origin: germline. Affected: yes.
Comment: Not observed in large population cohorts (Lek et al., 2016); In silico analysis, which includes splice predictors and evolutionary conservation, supports that this variant does not alter protein structure/function; Has not been previously published as pathogenic or benign to our knowledge

NM_001040142.2(SCN2A):c.816C>A (p.Gly272=)

Gene: SCN2A (sodium voltage-gated channel alpha subunit 2; plus strand). Cytogenetic location: 2q24.3.
Variant type: single nucleotide variant.
Coding change: c.816C>A on transcript NM_001040142.2 (MANE Select); coding-DNA position 816, C replaced by A.
Protein change: p.Gly272=; no amino-acid change (glycine 272 retained).
Molecular consequence: synonymous variant.
Genome position (GRCh38, 1-based): chr2:165,310,441, C>A. VCF-style: chr2-165310441-C-A. GRCh37 (hg19) VCF-style: chr2-166166951-C-A.
Other names: c.816C>A, p.Gly272= (NM_001040143.2, NM_001371246.1, NM_001371247.1 and 1 more transcripts).
Identifiers: ClinVar variation 1317129 (VCV001317129.9), dbSNP rs2105247434, ClinGen allele CA429972020.
Genomic context (GRCh38, chr2:165,310,441, plus strand): 5'-GATCTTGACTGTGTTCTGTCTAAGCGTGTTTGCGCTAATAGGATTGCAGTTGTTCATGGG[C>A]AACCTACGAAATAAATGTTTGCAATGGCCTCCAGATAATTCTTCCTTTGAAATAAATATC-3'
Protein context (NP_001035232.1, residues 262-282): FALIGLQLFM[Gly272=]NLRNKCLQWP